The following is an entry in ClinVar:

NM_001927.4(DES):c.1024-11C>T

Gene: DES (desmin; plus strand). Cytogenetic location: 2q35.
Variant type: single nucleotide variant.
Coding change: c.1024-11C>T on transcript NM_001927.4 (MANE Select); 11 bases into the intron before coding-DNA position 1024, C replaced by T.
Molecular consequence: intron variant.
Genome position (GRCh38, 1-based): chr2:219,421,329, C>T. VCF-style: chr2-219421329-C-T. GRCh37 (hg19) VCF-style: chr2-220286051-C-T.
Other names: c.1024-11C>T (LRG_380t1).
Identifiers: ClinVar variation 387559 (VCV000387559.6), dbSNP rs566280820, ClinGen allele CA16604393.

ClinVar aggregate classification (germline): Likely benign. Review status: criteria provided, multiple submitters, no conflicts (2 of 4 stars). 2 submissions from 2 submitters: Likely benign (2). Last evaluated 2026-01-15.

Conditions:
Desmin-related myofibrillar myopathy (MFM1). Also called: Myofibrillar myopathy 1; Desminopathy; DESMIN-RELATED MYOPATHY WITH ARRHYTHMOGENIC RIGHT VENTRICULAR CARDIOMYOPATHY; Desmin related myopathy (former name); Desmin storage myopathy (former name); MYOFIBRILLAR MYOPATHY WITH ARRHYTHMOGENIC RIGHT VENTRICULAR CARDIOMYOPATHY. Identifiers: Orphanet 363543, Orphanet 98909, MedGen C1832370, MONDO:0011076, OMIM 601419.

Submissions (2):

Labcorp Genetics (formerly Invitae), Labcorp
Classification: Likely benign for Desmin-related myofibrillar myopathy. Last evaluated: 2026-01-15. Review status: criteria provided, single submitter. Criteria: Invitae Variant Classification Sherloc (09022015). Collection method: clinical testing. Allele origin: germline.

GeneDx
Classification: Likely benign. Last evaluated: 2017-07-31. Review status: criteria provided, single submitter. Criteria: GeneDx Variant Classification (06012015). Collection method: clinical testing. Allele origin: germline. Affected: yes.
Comment: This variant is considered likely benign or benign based on one or more of the following criteria: it is a conservative change, it occurs at a poorly conserved position in the protein, it is predicted to be benign by multiple in silico algorithms, and/or has population frequency not consistent with disease.